The following is an entry in ClinVar:

ClinVar aggregate classification (germline): Uncertain significance. Review status: criteria provided, multiple submitters, no conflicts (2 of 4 stars). 2 submissions from 2 submitters: Uncertain significance (2). Last evaluated 2025-06-02.

Conditions:
Hereditary cancer-predisposing syndrome. Also called: Neoplastic Syndromes, Hereditary; Hereditary Cancer Syndrome; Tumor predisposition; Hereditary neoplastic syndrome. Identifiers: Orphanet 140162, MedGen C0027672, MeSH D009386, MONDO:0015356.
Familial adenomatous polyposis 1 (FAP1). Also called: FAMILIAL ADENOMATOUS POLYPOSIS 1, ATTENUATED; POLYPOSIS, ADENOMATOUS INTESTINAL. Identifiers: MedGen C2713442, MONDO:0021056, OMIM 175100. Disease mechanism: loss of function.

Submissions (2):

Color Diagnostics, LLC DBA Color Health
Classification: Uncertain significance for Hereditary cancer-predisposing syndrome. Last evaluated: 2025-06-02. Review status: criteria provided, single submitter. Criteria: ACMG Guidelines, 2015. Collection method: clinical testing. Allele origin: germline.
Comment: This missense variant replaces glutamine with arginine at codon 999 of the APC protein. Computational prediction suggests that this variant may not impact protein structure and function. To our knowledge, functional studies have not been reported for this variant. This variant has not been reported in individuals affected with APC-related disorders in the literature. This variant has not been identified in the general population by the Genome Aggregation Database (gnomAD). The available evidence is insufficient to determine the role of this variant in disease conclusively. Therefore, this variant is classified as a Variant of Uncertain Significance.

Labcorp Genetics (formerly Invitae), Labcorp
Classification: Uncertain significance for Familial adenomatous polyposis 1. Last evaluated: 2022-08-26. Review status: criteria provided, single submitter. Criteria: Invitae Variant Classification Sherloc (09022015). Collection method: clinical testing. Allele origin: germline.
Comment: In summary, the available evidence is currently insufficient to determine the role of this variant in disease. Therefore, it has been classified as a Variant of Uncertain Significance. Algorithms developed to predict the effect of missense changes on protein structure and function are either unavailable or do not agree on the potential impact of this missense change (SIFT: "Deleterious"; PolyPhen-2: "Benign"; Align-GVGD: "Class C0"). This variant has not been reported in the literature in individuals affected with APC-related conditions. This variant is not present in population databases (gnomAD no frequency). This sequence change replaces glutamine, which is neutral and polar, with arginine, which is basic and polar, at codon 999 of the APC protein (p.Gln999Arg).

NM_000038.6(APC):c.2996A>G (p.Gln999Arg)

Gene: APC (APC regulator of Wnt signaling pathway; plus strand). Cytogenetic location: 5q22.2.
Variant type: single nucleotide variant.
Coding change: c.2996A>G on transcript NM_000038.6 (MANE Select); coding-DNA position 2996, A replaced by G.
Protein change: p.Gln999Arg; replaces glutamine 999 with arginine.
Molecular consequence: missense variant.
Genome position (GRCh38, 1-based): chr5:112,838,590, A>G. VCF-style: chr5-112838590-A-G. GRCh37 (hg19) VCF-style: chr5-112174287-A-G.
Other names: c.2996A>G, p.Gln999Arg (NM_001127510.3, NM_001354895.2, NM_001407450.1); c.2942A>G, p.Gln981Arg (NM_001127511.3); c.3050A>G, p.Gln1017Arg (NM_001354896.2, NM_001407447.1, NM_001407448.1 and 1 more transcripts); c.3026A>G, p.Gln1009Arg (NM_001354897.2); c.2921A>G, p.Gln974Arg (NM_001354898.2); c.2912A>G, p.Gln971Arg (NM_001354899.2); c.2873A>G, p.Gln958Arg (NM_001354900.2); c.2819A>G, p.Gln940Arg (NM_001354901.2, NM_001407453.1); and 11 more; short protein forms Q1017R, Q870R, Q898R, Q958R, Q989R, Q992R, Q1009R, Q615R.
Identifiers: ClinVar variation 1934673 (VCV001934673.5), dbSNP rs2149881878, ClinGen allele CA16027886.